The following is an entry in ClinVar:

NM_000642.3(AGL):c.4034delinsAT (p.Pro1345fs)

Gene: AGL (amylo-alpha-1,6-glucosidase and 4-alpha-glucanotransferase; plus strand). Cytogenetic location: 1p21.2.
Variant type: Indel.
Coding change: c.4034delinsAT on transcript NM_000642.3 (MANE Select); coding-DNA position 4034, C replaced by AT.
Protein change: p.Pro1345fs; shifts the reading frame from proline 1345.
Molecular consequence: frameshift variant.
Genome position (GRCh38, 1-based): chr1:99,913,611, C replaced by AT. VCF-style: chr1-99913611-C-AT. GRCh37 (hg19) VCF-style: chr1-100379167-C-AT.
Other names: c.4034delinsAT, p.Pro1345fs (NM_000028.3, NM_000643.3, NM_000644.3 and 1 more transcripts); c.4013delinsAT, p.Pro1338fs (NM_001425326.1); c.3833delinsAT, p.Pro1278fs (NM_001425327.1); c.3830delinsAT, p.Pro1277fs (NM_001425328.1); c.3695delinsAT, p.Pro1232fs (NM_001425329.1); c.3656delinsAT, p.Pro1219fs (NM_001425332.1); c.3986delinsAT, p.Pro1329fs (NM_000646.3); short protein forms P1219fs, P1232fs, P1277fs, P1278fs, P1329fs, P1338fs, P1345fs.
Identifiers: ClinVar variation 4814453 (VCV004814453.1).

ClinVar aggregate classification (germline): Likely pathogenic (1 of 4 stars; one submission).

Conditions:
Glycogen storage disease type III (GSD3). Also called: FORBES DISEASE; Cori disease. Identifiers: Orphanet 366, MedGen C0017922, MONDO:0009291, OMIM 232400.

Submission:

Natera, Inc.
Classification: Likely pathogenic for Glycogen storage disease type III. Last evaluated: 2024-11-18. Review status: criteria provided, single submitter. Criteria: Natera Variant Classification Schema (03/2026). Collection method: clinical testing. Allele origin: germline.
Comment: The c.4034delinsAT variant in AGL is a frameshift variant predicted to shift the reading frame beginning at codon 1345 and leads to a stop codon 6 codons downstream. This variant is expected to result in nonsense mediated decay, truncation, or a dysfunctional protein product. This variant is rare in the general population with a frequency below the threshold expected for the associated phenotype(s). Given the available evidence, this variant is classified as Likely Pathogenic.